The following is an entry in ClinVar:

ClinVar aggregate classification (germline): Benign/Likely benign. Review status: criteria provided, multiple submitters, no conflicts (2 of 4 stars). 4 submissions from 4 submitters: Benign (2); Likely benign (2). Last evaluated 2026-07-01.

Allele frequency attached by ClinVar (database versions not stated): gnomAD exomes 0.00105; ExAC 0.00123; gnomAD 0.00423 and 0.00451; TOPMed 0.00445; ESP Exome Variant Server 0.00446; 1000 Genomes Project 0.00499; 1000 Genomes Project 30x 0.00547.

Submissions (4):

CeGaT Center for Human Genetics Tuebingen
Classification: Likely benign. Last evaluated: 2026-07-01. Review status: criteria provided, single submitter. Criteria: CeGaT Center For Human Genetics Tuebingen Variant Classification Criteria Version 2. Collection method: clinical testing. Allele origin: germline. Affected: yes. Observed: 3 variant alleles.
Comment: ERCC1: BP4, BS1

Labcorp Genetics (formerly Invitae), Labcorp
Classification: Benign. Last evaluated: 2025-12-15. Review status: criteria provided, single submitter. Criteria: Invitae Variant Classification Sherloc (09022015). Collection method: clinical testing. Allele origin: germline.

Blueprint Genetics
Classification: Likely benign. Last evaluated: 2024-11-07. Review status: criteria provided, single submitter. Criteria: ACMG Guidelines, 2015. Collection method: clinical testing. Allele origin: germline.

Breakthrough Genomics
Classification: Benign. Review status: criteria provided, single submitter. Criteria: ACMG Guidelines, 2015. Collection method: not provided. Allele origin: germline. Inheritance: Autosomal recessive inheritance. Affected: yes.

NM_001983.4(ERCC1):c.843+6A>G

Gene: ERCC1 (ERCC excision repair 1, endonuclease non-catalytic subunit; minus strand). Cytogenetic location: 19q13.32.
Variant type: single nucleotide variant.
Coding change: c.843+6A>G on transcript NM_001983.4 (MANE Select); 6 bases into the intron after coding-DNA position 843, A replaced by G.
Molecular consequence: intron variant. On other transcripts: synonymous variant (5).
Genome position (GRCh38, 1-based): chr19:45,413,671, T>C on the plus strand (A>G on the coding strand, the complement: ERCC1 is on the minus strand). VCF-style: chr19-45413671-T-C. GRCh37 (hg19) VCF-style: chr19-45916929-T-C.
Other names: c.849A>G, p.Arg283= (NM_001369408.1, NM_001369409.1, NM_202001.3); c.777A>G, p.Arg259= (NM_001369410.1, NM_001369411.1); c.843+6A>G (NM_001369412.1, NM_001369413.1, NM_001369414.1 and 2 more transcripts); c.771+6A>G (NM_001369417.1, NM_001369418.1, NM_001166049.2 and 1 more transcripts).
Identifiers: ClinVar variation 716242 (VCV000716242.32), dbSNP rs78363670, ClinGen allele CA9515268.